The following is an entry in ClinVar:

NM_052872.4(IL17F):c.140G>T (p.Cys47Phe)

Gene: IL17F (interleukin 17F; minus strand). Cytogenetic location: 6p12.2.
Variant type: single nucleotide variant.
Coding change: c.140G>T on transcript NM_052872.4 (MANE Select); coding-DNA position 140, G replaced by T.
Protein change: p.Cys47Phe; replaces cysteine 47 with phenylalanine.
Molecular consequence: missense variant.
Genome position (GRCh38, 1-based): chr6:52,238,844, C>A on the plus strand (G>T on the coding strand, the complement: IL17F is on the minus strand). VCF-style: chr6-52238844-C-A. GRCh37 (hg19) VCF-style: chr6-52103642-C-A.
Other names: short protein forms C47F.
Identifiers: ClinVar variation 646441 (VCV000646441.8), dbSNP rs760922852, ClinGen allele CA3854439.

ClinVar aggregate classification (germline): Uncertain significance (1 of 4 stars; one submission).

Conditions:
Candidiasis, familial, 6 (CANDF6). Also called: Candidiasis, familial, 6, autosomal dominant. Identifiers: Orphanet 1334, MedGen C3151405, MONDO:0013503, OMIM 613956.

Allele frequency attached by ClinVar (database versions not stated): gnomAD exomes below 0.00001 and 0.00002; TOPMed below 0.00001; gnomAD 0.00001; ExAC 0.00002.
gnomAD v4.1: 7 of 1,613,946 alleles (0.00043%); highest among the groups gnomAD compares: East Asian, 0.016%; no homozygotes.

Submission:

Labcorp Genetics (formerly Invitae), Labcorp
Classification: Uncertain significance for Candidiasis, familial, 6. Last evaluated: 2023-08-17. Review status: criteria provided, single submitter. Criteria: Invitae Variant Classification Sherloc (09022015). Collection method: clinical testing. Allele origin: germline.
Comment: This sequence change replaces cysteine, which is neutral and slightly polar, with phenylalanine, which is neutral and non-polar, at codon 47 of the IL17F protein (p.Cys47Phe). In summary, the available evidence is currently insufficient to determine the role of this variant in disease. Therefore, it has been classified as a Variant of Uncertain Significance. An algorithm developed to predict the effect of missense changes on protein structure and function (PolyPhen-2) suggests that this variant is likely to be disruptive. ClinVar contains an entry for this variant (Variation ID: 646441). This variant has not been reported in the literature in individuals affected with IL17F-related conditions. This variant is present in population databases (rs760922852, gnomAD 0.03%).